The following is an entry in ClinVar:

NM_000535.7(PMS2):c.2412G>C (p.Lys804Asn)

Gene: PMS2 (PMS1 homolog 2, mismatch repair system component; minus strand). Cytogenetic location: 7p22.1.
Variant type: single nucleotide variant.
Coding change: c.2412G>C on transcript NM_000535.7 (MANE Select); coding-DNA position 2412, G replaced by C.
Protein change: p.Lys804Asn; replaces lysine 804 with asparagine.
Molecular consequence: missense variant. On other transcripts: non-coding transcript variant (1).
Genome position (GRCh38, 1-based): chr7:5,977,621, C>G on the plus strand (G>C on the coding strand, the complement: PMS2 is on the minus strand). VCF-style: chr7-5977621-C-G. GRCh37 (hg19) VCF-style: chr7-6017252-C-G.
Other names: c.2007G>C, p.Lys669Asn (NM_001322003.2, NM_001322004.2, NM_001322005.2); c.2256G>C, p.Lys752Asn (NM_001322006.2); c.2094G>C, p.Lys698Asn (NM_001322007.2, NM_001322008.2); c.2040G>C, p.Lys680Asn (NM_001322009.2); c.1851G>C, p.Lys617Asn (NM_001322010.2); c.1479G>C, p.Lys493Asn (NM_001322011.2, NM_001322012.2); c.1839G>C, p.Lys613Asn (NM_001322013.2); c.2445G>C, p.Lys815Asn (NM_001322014.2); and 1 more; short protein forms K804N, K613N, K680N, K698N, K815N, K493N, K617N, K669N.
Identifiers: ClinVar variation 142572 (VCV000142572.21), dbSNP rs547715146, ClinGen allele CA011460.

ClinVar aggregate classification (germline): Conflicting classifications of pathogenicity. Review status: criteria provided, conflicting classifications (1 of 4 stars). 6 submissions from 6 submitters: Uncertain significance (5); Likely benign (1). Last evaluated 2025-12-17.

Conditions:
Hereditary nonpolyposis colorectal neoplasms. Identifiers: MedGen C0009405, MeSH D003123.
Hereditary cancer-predisposing syndrome. Also called: Hereditary Cancer Syndrome; Neoplastic Syndromes, Hereditary; Hereditary neoplastic syndrome; Tumor predisposition. Identifiers: Orphanet 140162, MedGen C0027672, MeSH D009386, MONDO:0015356.
Lynch syndrome 4 (LYNCH4). Also called: Colorectal cancer, hereditary nonpolyposis, type 4; Hereditary non-polyposis colorectal cancer, type 4. Identifiers: Orphanet 144, MedGen C1838333, MONDO:0013699, OMIM 614337. Disease mechanism: loss of function.

Allele frequency attached by ClinVar (database versions not stated): TOPMed below 0.00001; gnomAD 0.00001; 1000 Genomes Project 30x 0.00016; 1000 Genomes Project 0.00020.
gnomAD v4.1: 3 of 1,591,320 alleles (0.00019%); highest among the groups gnomAD compares: Non-Finnish European, 0.00026%; no homozygotes.

Submissions (6):

Color Diagnostics, LLC DBA Color Health
Classification: Uncertain significance for Hereditary cancer-predisposing syndrome. Last evaluated: 2025-12-17. Review status: criteria provided, single submitter. Criteria: ACMG Guidelines, 2015. Collection method: clinical testing. Allele origin: germline.
Comment: This missense variant replaces lysine with asparagine at codon 804 of the PMS2 protein. Computational prediction suggests that this variant may not impact protein structure and function. To our knowledge, functional studies have not been reported for this variant. This variant has not been reported in individuals affected with PMS2-related disorders in the literature. This variant has been identified in 3/1591320 chromosomes in the general population by the Genome Aggregation Database (gnomAD). The available evidence is insufficient to determine the role of this variant in disease conclusively. Therefore, this variant is classified as a Variant of Uncertain Significance.

Labcorp Genetics (formerly Invitae), Labcorp
Classification: Uncertain significance for Hereditary nonpolyposis colorectal neoplasms. Last evaluated: 2025-05-13. Review status: criteria provided, single submitter. Criteria: Invitae Variant Classification Sherloc (09022015). Collection method: clinical testing. Allele origin: germline.
Comment: This sequence change replaces lysine, which is basic and polar, with asparagine, which is neutral and polar, at codon 804 of the PMS2 protein (p.Lys804Asn). The frequency data for this variant in the population databases (gnomAD) is considered unreliable due to the presence of homologous sequence, such as pseudogenes or paralogs, in the genome. This variant has not been reported in the literature in individuals affected with PMS2-related conditions. ClinVar contains an entry for this variant (Variation ID: 142572). Invitae Evidence Modeling incorporating data from in vitro experimental studies (internal data) indicates that this missense variant is not expected to disrupt PMS2 function with a negative predictive value of 95%. In summary, the available evidence is currently insufficient to determine the role of this variant in disease. Therefore, it has been classified as a Variant of Uncertain Significance.

GeneDx
Classification: Uncertain significance. Last evaluated: 2024-04-11. Review status: criteria provided, single submitter. Criteria: GeneDx Variant Classification Process June 2021. Collection method: clinical testing. Allele origin: germline. Affected: yes.
Comment: Not observed at significant frequency in large population cohorts (gnomAD); In silico analysis indicates that this missense variant does not alter protein structure/function; Has not been previously published as pathogenic or benign to our knowledge; This variant is associated with the following publications: (PMID: Fukui2011[Chapter])

Ambry Genetics
Classification: Likely benign for Hereditary cancer-predisposing syndrome. Last evaluated: 2023-10-24. Review status: criteria provided, single submitter. Criteria: Ambry Variant Classification Scheme 2023. Collection method: clinical testing. Allele origin: germline.

Baylor Genetics
Classification: Uncertain significance for Lynch syndrome 4. Last evaluated: 2023-10-20. Review status: criteria provided, single submitter. Criteria: ACMG Guidelines, 2015. Collection method: clinical testing. Allele origin: unknown.

Women's Health and Genetics/Laboratory Corporation of America, LabCorp
Classification: Uncertain significance. Last evaluated: 2019-10-28. Review status: criteria provided, single submitter. Criteria: LabCorp Variant Classification Summary - May 2015. Collection method: clinical testing. Allele origin: germline.
Comment: Variant summary: PMS2 c.2412G>C (p.Lys804Asn) results in a non-conservative amino acid change located in the MutL, C-terminal, dimerisation domain (IPR014790) of the encoded protein sequence. Three of five in-silico tools predict a benign effect of the variant on protein function. The variant was absent in 221484 control chromosomes (gnomAD). The available data on variant occurrences in the general population are insufficient to allow any conclusion about variant significance. To our knowledge, no occurrence of c.2412G>C in individuals affected with Lynch Syndrome and no experimental evidence demonstrating its impact on protein function have been reported. Three clinical diagnostic laboratories have submitted clinical-significance assessments for this variant to ClinVar after 2014 without evidence for independent evaluation, and all of them classified the variant as uncertain significance. Based on the evidence outlined above, the variant was classified as uncertain significance.